The following is an entry in ClinVar:

ClinVar aggregate classification (germline): Uncertain significance. Review status: criteria provided, multiple submitters, no conflicts (2 of 4 stars). 2 submissions from 2 submitters: Uncertain significance (2). Last evaluated 2025-04-19.

Conditions:
Inborn genetic diseases. Identifiers: MedGen C0950123, MeSH D030342.

Allele frequency attached by ClinVar (database versions not stated): gnomAD 0.00001; gnomAD exomes 0.00001; TOPMed 0.00001.
gnomAD v4.1: 6 of 1,584,120 alleles (0.00038%); highest among the groups gnomAD compares: East Asian, 0.0045%; no homozygotes.

Submissions (2):

Ambry Genetics
Classification: Uncertain significance for Inborn genetic diseases. Last evaluated: 2025-04-19. Review status: criteria provided, single submitter. Criteria: Ambry Variant Classification Scheme 2023. Collection method: clinical testing. Allele origin: germline.

Labcorp Genetics (formerly Invitae), Labcorp
Classification: Uncertain significance. Last evaluated: 2024-10-12. Review status: criteria provided, single submitter. Criteria: Invitae Variant Classification Sherloc (09022015). Collection method: clinical testing. Allele origin: germline.
Comment: This sequence change replaces leucine, which is neutral and non-polar, with arginine, which is basic and polar, at codon 966 of the POLR3A protein (p.Leu966Arg). This variant is present in population databases (no rsID available, gnomAD 0.01%). This variant has not been reported in the literature in individuals affected with POLR3A-related conditions. ClinVar contains an entry for this variant (Variation ID: 1478223). Invitae Evidence Modeling of protein sequence and biophysical properties (such as structural, functional, and spatial information, amino acid conservation, physicochemical variation, residue mobility, and thermodynamic stability) indicates that this missense variant is not expected to disrupt POLR3A protein function with a negative predictive value of 80%. In summary, the available evidence is currently insufficient to determine the role of this variant in disease. Therefore, it has been classified as a Variant of Uncertain Significance.

NM_007055.4(POLR3A):c.2897T>G (p.Leu966Arg)

Gene: POLR3A (RNA polymerase III subunit A; minus strand). Cytogenetic location: 10q22.3.
Variant type: single nucleotide variant.
Coding change: c.2897T>G on transcript NM_007055.4 (MANE Select); coding-DNA position 2897, T replaced by G.
Protein change: p.Leu966Arg; replaces leucine 966 with arginine.
Molecular consequence: missense variant.
Genome position (GRCh38, 1-based): chr10:77,991,058, A>C on the plus strand (T>G on the coding strand, the complement: POLR3A is on the minus strand). VCF-style: chr10-77991058-A-C. GRCh37 (hg19) VCF-style: chr10-79750816-A-C.
Other names: c.2897T>G (NM_007055.3); short protein forms L966R.
Identifiers: ClinVar variation 1478223 (VCV001478223.9), dbSNP rs901206982, ClinGen allele CA210193956.